The following is an entry in ClinVar:

ClinVar aggregate classification (germline): Uncertain significance. Review status: criteria provided, multiple submitters, no conflicts (2 of 4 stars). 4 submissions from 4 submitters: Uncertain significance (4). Last evaluated 2026-04-01.

Conditions:
Timothy syndrome (TS). Also called: LONG QT SYNDROME WITH SYNDACTYLY. Identifiers: Orphanet 65283, MedGen C1832916, MeSH C536962, MONDO:0010979, OMIM 601005.
Long QT syndrome 8. Identifiers: MedGen CN260585, MONDO:0032756, OMIM 618447.
Brugada syndrome 3 (BRGDA3). Identifiers: Orphanet 130, MedGen C2678478, MONDO:0012742, OMIM 611875.
Long QT syndrome (LQTS). Identifiers: MedGen C0023976, MeSH D008133, MONDO:0002442. Disease mechanism: loss of function. Inheritance: Various modes of inheritance.

Submissions (4):

CeGaT Center for Human Genetics Tuebingen
Classification: Uncertain significance. Last evaluated: 2026-04-01. Review status: criteria provided, single submitter. Criteria: CeGaT Center For Human Genetics Tuebingen Variant Classification Criteria Version 2. Collection method: clinical testing. Allele origin: germline. Affected: yes. Observed: 1 variant allele.
Comment: CACNA1C: PM2

Dasa
Classification: Uncertain significance. Last evaluated: 2025-10-09. Review status: criteria provided, single submitter. Criteria: DASA Assertion Criteria. Collection method: clinical testing. Allele origin: germline.
Comment: NM_000719.7(CACNA1C):c.5680G>A (p.Gly1894Ser) is a missense variant that results in the substitution of glycine with serine. This variant is absent from population databases. The currently available literature and clinical evidence are not sufficient to establish a definitive association between this variant and the reported condition. Therefore, this variant is classified as a variant of uncertain significance.

Labcorp Genetics (formerly Invitae), Labcorp
Classification: Uncertain significance for Long QT syndrome. Last evaluated: 2025-03-23. Review status: criteria provided, single submitter. Criteria: Invitae Variant Classification Sherloc (09022015). Collection method: clinical testing. Allele origin: germline.
Comment: This sequence change replaces glycine, which is neutral and non-polar, with serine, which is neutral and polar, at codon 1894 of the CACNA1C protein (p.Gly1894Ser). This variant also falls at the last nucleotide of exon 44, which is part of the consensus splice site for this exon. This variant is not present in population databases (gnomAD no frequency). This variant has not been reported in the literature in individuals affected with CACNA1C-related conditions. ClinVar contains an entry for this variant (Variation ID: 1013997). An algorithm developed to predict the effect of missense changes on protein structure and function (PolyPhen-2) suggests that this variant is likely to be tolerated. Variants that disrupt the consensus splice site are a relatively common cause of aberrant splicing (PMID: 17576681, 9536098). Algorithms developed to predict the effect of sequence changes on RNA splicing suggest that this variant may disrupt the consensus splice site. In summary, the available evidence is currently insufficient to determine the role of this variant in disease. Therefore, it has been classified as a Variant of Uncertain Significance.

Fulgent Genetics
Classification: Uncertain significance for Timothy syndrome; Brugada syndrome 3; Long QT syndrome 8. Last evaluated: 2021-11-22. Review status: criteria provided, single submitter. Criteria: ACMG Guidelines, 2015. Collection method: clinical testing. Allele origin: unknown.

Literature cited by the submitters: PubMed 17576681 (cited by Labcorp Genetics (formerly Invitae), Labcorp); PubMed 9536098 (cited by Labcorp Genetics (formerly Invitae), Labcorp).

NM_000719.7(CACNA1C):c.5680G>A (p.Gly1894Ser)

Genes: CACNA1C-AS1 (CACNA1C antisense RNA 1; minus strand), CACNA1C (calcium voltage-gated channel subunit alpha1 C; plus strand). Cytogenetic location: 12p13.33.
Variant type: single nucleotide variant.
Coding change: c.5680G>A on transcript NM_000719.7 (MANE Select); coding-DNA position 5680, G replaced by A.
Protein change: p.Gly1894Ser; replaces glycine 1894 with serine.
Molecular consequence: missense variant.
Genome position (GRCh38, 1-based): chr12:2,685,842, G>A. VCF-style: chr12-2685842-G-A. GRCh37 (hg19) VCF-style: chr12-2795008-G-A.
Other names: c.5824G>A, p.Gly1942Ser (NM_001129827.2); c.5803G>A, p.Gly1935Ser (NM_001129829.2); c.5785G>A, p.Gly1929Ser (NM_001129830.3, NM_001167624.3); c.5764G>A, p.Gly1922Ser (NM_001129831.2); c.5740G>A, p.Gly1914Ser (NM_001129832.2); c.5737G>A, p.Gly1913Ser (NM_001129833.2, NM_001129834.2, NM_001129835.2); c.5731G>A, p.Gly1911Ser (NM_001129836.2); c.5704G>A, p.Gly1902Ser (NM_001129837.2, NM_001129838.2); and 6 more; short protein forms G1883S, G1891S, G1894S, G1900S, G1902S, G1911S, G1913S, G1914S.
Identifiers: ClinVar variation 1013997 (VCV001013997.14), dbSNP rs2097429400, ClinGen allele CA383382370.
Genomic context (GRCh38, chr12:2,685,842, plus strand): 5'-GAGGACAAGAGGGACATCCGGCAATCTCCGAAGAGGGGTTTCCTCCGCTCTGCCTCACTA[G>A]GTAAATGCACCGCTCGCTCTCTGGATGTGGTCGGCGGTTACTCCCTAGAGAACACTGGTC-3'
Protein context (NP_000710.5, residues 1884-1904): KRGFLRSASL[Gly1894Ser]RRASFHLECL